The following is an entry in ClinVar:

ClinVar aggregate classification (germline): Uncertain significance. Review status: criteria provided, multiple submitters, no conflicts (2 of 4 stars). 2 submissions from 2 submitters: Uncertain significance (2). Last evaluated 2025-09-24.

Conditions:
Inborn genetic diseases. Identifiers: MedGen C0950123, MeSH D030342.
KMT2C-related disorder. Also called: KMT2C-related condition; KMT2C-related disorders.

Allele frequency attached by ClinVar (database versions not stated): gnomAD exomes below 0.00001; TOPMed 0.00002.

Submissions (2):

PreventionGenetics, part of Exact Sciences
Classification: Uncertain significance for KMT2C-related condition. Last evaluated: 2025-09-24. Review status: criteria provided, single submitter. Criteria: ACMG Guidelines, 2015. Collection method: clinical testing. Allele origin: germline.
Comment: The KMT2C c.4885A>G variant is predicted to result in the amino acid substitution p.Met1629Val. To our knowledge, this variant has not been reported in the literature or in a large population database (gnomAD), indicating this variant is rare. At this time, the clinical significance of this variant is uncertain due to the absence of conclusive functional and genetic evidence.

Ambry Genetics
Classification: Uncertain significance for Inborn genetic diseases. Last evaluated: 2019-04-11. Review status: criteria provided, single submitter. Criteria: Ambry exome assertion method (8-5-2015). Collection method: clinical testing. Allele origin: germline. Affected: yes. Observed: 1 variant allele.

NM_170606.3(KMT2C):c.4885A>G (p.Met1629Val)

Gene: KMT2C (lysine methyltransferase 2C; minus strand). Cytogenetic location: 7q36.1.
Variant type: single nucleotide variant.
Coding change: c.4885A>G on transcript NM_170606.3 (MANE Select); coding-DNA position 4885, A replaced by G.
Protein change: p.Met1629Val; replaces methionine 1629 with valine.
Molecular consequence: missense variant.
Genome position (GRCh38, 1-based): chr7:152,187,385, T>C on the plus strand (A>G on the coding strand, the complement: KMT2C is on the minus strand). VCF-style: chr7-152187385-T-C. GRCh37 (hg19) VCF-style: chr7-151884470-T-C.
Other names: short protein forms M1629V.
Identifiers: ClinVar variation 986108 (VCV000986108.4), dbSNP rs996844761, ClinGen allele CA169216453.